The following is an entry in ClinVar:

ClinVar aggregate classification (germline): Uncertain significance (1 of 4 stars; one submission).

Submission:

GeneDx
Classification: Uncertain significance. Last evaluated: 2023-02-22. Review status: criteria provided, single submitter. Criteria: GeneDx Variant Classification Process June 2021. Collection method: clinical testing. Allele origin: germline. Affected: yes.
Comment: Not observed at significant frequency in large population cohorts (gnomAD); In silico analysis supports that this missense variant has a deleterious effect on protein structure/function; Has not been previously published as pathogenic or benign to our knowledge

NM_021224.6(ZNF462):c.6724G>A (p.Gly2242Arg)

Gene: ZNF462 (zinc finger protein 462; plus strand). Cytogenetic location: 9q31.2.
Variant type: single nucleotide variant.
Coding change: c.6724G>A on transcript NM_021224.6 (MANE Select); coding-DNA position 6724, G replaced by A.
Protein change: p.Gly2242Arg; replaces glycine 2242 with arginine.
Molecular consequence: missense variant.
Genome position (GRCh38, 1-based): chr9:106,974,165, G>A. VCF-style: chr9-106974165-G-A. GRCh37 (hg19) VCF-style: chr9-109736446-G-A.
Other names: c.4129G>A, p.Gly1377Arg (NM_001347997.2); short protein forms G1377R, G2242R.
Identifiers: ClinVar variation 2577623 (VCV002577623.1), dbSNP rs1826818048, ClinGen allele CA374660030.